The following is an entry in ClinVar:

ClinVar aggregate classification (germline): Uncertain significance. Review status: criteria provided, multiple submitters, no conflicts (2 of 4 stars). 3 submissions from 3 submitters: Uncertain significance (3). Last evaluated 2025-01-08.

Conditions:
Hereditary cancer-predisposing syndrome. Also called: Hereditary neoplastic syndrome; Neoplastic Syndromes, Hereditary; Tumor predisposition; Hereditary Cancer Syndrome. Identifiers: Orphanet 140162, MedGen C0027672, MeSH D009386, MONDO:0015356.
Familial cancer of breast. Also called: Hereditary breast cancer; hereditary breast carcinoma; BREAST CANCER, FAMILIAL. Identifiers: Orphanet 227535, MedGen C0346153, MONDO:0016419, OMIM 114480. Disease mechanism: loss of function.

Submissions (3):

Ambry Genetics
Classification: Uncertain significance for Hereditary cancer-predisposing syndrome. Last evaluated: 2025-01-08. Review status: criteria provided, single submitter. Criteria: Ambry Variant Classification Scheme 2023. Collection method: clinical testing. Allele origin: germline.
Comment: The p.D434H variant (also known as c.1300G>C), located in coding exon 4 of the PALB2 gene, results from a G to C substitution at nucleotide position 1300. The aspartic acid at codon 434 is replaced by histidine, an amino acid with similar properties. This amino acid position is conserved. In addition, this alteration is predicted to be tolerated by in silico analysis. Based on the available evidence, the clinical significance of this variant remains unclear.

Labcorp Genetics (formerly Invitae), Labcorp
Classification: Uncertain significance for Familial cancer of breast. Last evaluated: 2023-05-14. Review status: criteria provided, single submitter. Criteria: Invitae Variant Classification Sherloc (09022015). Collection method: clinical testing. Allele origin: germline.
Comment: In summary, the available evidence is currently insufficient to determine the role of this variant in disease. Therefore, it has been classified as a Variant of Uncertain Significance. Advanced modeling of protein sequence and biophysical properties (such as structural, functional, and spatial information, amino acid conservation, physicochemical variation, residue mobility, and thermodynamic stability) performed at Invitae indicates that this missense variant is not expected to disrupt PALB2 protein function. ClinVar contains an entry for this variant (Variation ID: 1318662). This variant has not been reported in the literature in individuals affected with PALB2-related conditions. This variant is not present in population databases (gnomAD no frequency). This sequence change replaces aspartic acid, which is acidic and polar, with histidine, which is basic and polar, at codon 434 of the PALB2 protein (p.Asp434His).

GeneDx
Classification: Uncertain significance. Last evaluated: 2019-11-04. Review status: criteria provided, single submitter. Criteria: GeneDx Variant Classification Process June 2021. Collection method: clinical testing. Allele origin: germline. Affected: yes.
Comment: Not observed in large population cohorts (Lek 2016); In silico analysis, which includes protein predictors and evolutionary conservation, supports that this variant does not alter protein structure/function; Has not been previously published as pathogenic or benign to our knowledge

NM_024675.4(PALB2):c.1300G>C (p.Asp434His)

Gene: PALB2 (partner and localizer of BRCA2; minus strand). Cytogenetic location: 16p12.2.
Variant type: single nucleotide variant.
Coding change: c.1300G>C on transcript NM_024675.4 (MANE Select); coding-DNA position 1300, G replaced by C.
Protein change: p.Asp434His; replaces aspartic acid 434 with histidine.
Molecular consequence: missense variant.
Genome position (GRCh38, 1-based): chr16:23,635,246, C>G on the plus strand (G>C on the coding strand, the complement: PALB2 is on the minus strand). VCF-style: chr16-23635246-C-G. GRCh37 (hg19) VCF-style: chr16-23646567-C-G.
Other names: short protein forms D434H.
Identifiers: ClinVar variation 1318662 (VCV001318662.11), dbSNP rs2142420011, ClinGen allele CA395132454.
Genomic context (GRCh38, chr16:23,635,246, plus strand): 5'-AAAGGTTTAAATTTTTACTTGCATCCTTATTTTTATTTTTAAACCCTTTTTTCTTGACAT[C>G]CAAATGACTCTGAATGACAGCCTCCACGGCTACTTTCCTCTGGCAATTGGACATGCTTCG-3'
Protein context (NP_078951.2, residues 424-444): AVEAVIQSHL[Asp434His]VKKKGFKNKN